The following is an entry in ClinVar:

NM_003073.5(SMARCB1):c.796-246G>A

Gene: SMARCB1 (SWI/SNF related BAF chromatin remodeling complex subunit B1; plus strand). Cytogenetic location: 22q11.23.
Variant type: single nucleotide variant.
Coding change: c.796-246G>A on transcript NM_003073.5 (MANE Select); 246 bases into the intron before coding-DNA position 796, G replaced by A.
Molecular consequence: intron variant.
Genome position (GRCh38, 1-based): chr22:23,824,979, G>A. VCF-style: chr22-23824979-G-A. GRCh37 (hg19) VCF-style: chr22-24167166-G-A.
Other names: c.850-246G>A (NM_001362877.2); c.823-246G>A (NM_001317946.2); c.769-246G>A (NM_001007468.3).
Identifiers: ClinVar variation 677105 (VCV000677105.1), dbSNP rs11704119, ClinGen allele CA14993608.

ClinVar aggregate classification (germline): Benign (1 of 4 stars; one submission).

Allele frequency attached by ClinVar (database versions not stated): TOPMed 0.11802; gnomAD 0.11984 and 0.12374; gnomAD exomes 0.13317; 1000 Genomes Project 30x 0.14382; 1000 Genomes Project 0.14657.
gnomAD v4.1: 75,317 of 576,636 alleles (13%); highest among the groups gnomAD compares: South Asian, 27%; 5,791 homozygotes.

Submission:

GeneDx
Classification: Benign. Last evaluated: 2018-06-20. Review status: criteria provided, single submitter. Criteria: GeneDx Variant Classification (06012015). Collection method: clinical testing. Allele origin: germline. Affected: yes.
Comment: This variant is considered likely benign or benign based on one or more of the following criteria: it is a conservative change, it occurs at a poorly conserved position in the protein, it is predicted to be benign by multiple in silico algorithms, and/or has population frequency not consistent with disease.